The following is an entry in ClinVar:

ClinVar aggregate classification (germline): Uncertain significance. Review status: criteria provided, multiple submitters, no conflicts (2 of 4 stars). 4 submissions from 4 submitters: Uncertain significance (3). 1 of the submissions does not count toward it. Last evaluated 2025-12-04.

Conditions:
Inborn genetic diseases. Identifiers: MedGen C0950123, MeSH D030342.
MHC class II deficiency. Also called: Bare lymphocyte syndrome 2; BLS, TYPE II. Identifiers: Orphanet 572, MedGen C5447452, MONDO:0008855.

Allele frequency attached by ClinVar (database versions not stated): ExAC 0.00012; TOPMed 0.00015; 1000 Genomes Project 30x 0.00047; 1000 Genomes Project 0.00060.
gnomAD v4.1: 31 of 1,614,182 alleles (0.0019%); highest among the groups gnomAD compares: East Asian, 0.065%; no homozygotes.

Submissions (4):

Ambry Genetics
Classification: Uncertain significance for Inborn genetic diseases. Last evaluated: 2025-12-04. Review status: criteria provided, single submitter. Criteria: Ambry Variant Classification Scheme 2023. Collection method: clinical testing. Allele origin: germline.

Labcorp Genetics (formerly Invitae), Labcorp
Classification: Uncertain significance for MHC class II deficiency. Last evaluated: 2025-11-17. Review status: criteria provided, single submitter. Criteria: Invitae Variant Classification Sherloc (09022015). Collection method: clinical testing. Allele origin: germline.
Comment: This sequence change replaces glycine, which is neutral and non-polar, with aspartic acid, which is acidic and polar, at codon 693 of the CIITA protein (p.Gly693Asp). The frequency data for this variant in the population databases is considered unreliable, as metrics indicate poor data quality at this position in the gnomAD database. This variant has not been reported in the literature in individuals affected with CIITA-related conditions. ClinVar contains an entry for this variant (Variation ID: 885440). An algorithm developed to predict the effect of missense changes on protein structure and function outputs the following: PolyPhen-2: "Benign". The aspartic acid amino acid residue is found in multiple mammalian species, which suggests that this missense change does not adversely affect protein function. In summary, the available evidence is currently insufficient to determine the role of this variant in disease. Therefore, it has been classified as a Variant of Uncertain Significance.

Illumina Laboratory Services, Illumina
Classification: Uncertain significance for MHC class II deficiency 1. Last evaluated: 2018-01-13. Review status: criteria provided, single submitter. Criteria: ICSL Variant Classification Criteria 13 December 2019. Collection method: clinical testing. Allele origin: germline.

Natera, Inc.
Classification: Uncertain significance for Bare lymphocyte syndrome type II. Last evaluated: 2020-04-24. Review status: no assertion criteria provided. Collection method: clinical testing. Allele origin: germline. Not counted in ClinVar's aggregate classification.

NM_000246.4(CIITA):c.2078G>A (p.Gly693Asp)

Gene: CIITA (class II major histocompatibility complex transactivator; plus strand). Cytogenetic location: 16p13.13.
Variant type: single nucleotide variant.
Coding change: c.2078G>A on transcript NM_000246.4 (MANE Select); coding-DNA position 2078, G replaced by A.
Protein change: p.Gly693Asp; replaces glycine 693 with aspartic acid.
Molecular consequence: missense variant. On other transcripts: intron variant (1).
Genome position (GRCh38, 1-based): chr16:10,907,570, G>A. VCF-style: chr16-10907570-G-A. GRCh37 (hg19) VCF-style: chr16-11001427-G-A.
Other names: c.2081G>A, p.Gly694Asp (NM_001286402.1, NM_001379332.1); c.1934G>A, p.Gly645Asp (NM_001379330.1); c.1931G>A, p.Gly644Asp (NM_001379331.1); c.2078G>A, p.Gly693Asp (NM_001379333.1); c.2009G>A, p.Gly670Asp (NM_001379334.1); c.860-1413G>A (NM_001286403.2); short protein forms G693D, G694D, G644D, G645D, G670D.
Identifiers: ClinVar variation 885440 (VCV000885440.8), dbSNP rs146380734, ClinGen allele CA7900286.